The following is an entry in ClinVar:

NM_001037333.3(CYFIP2):c.2594G>A (p.Arg865Gln)

Gene: CYFIP2 (cytoplasmic FMR1 interacting protein 2; plus strand). Cytogenetic location: 5q33.3.
Variant type: single nucleotide variant.
Coding change: c.2594G>A on transcript NM_001037333.3 (MANE Select); coding-DNA position 2594, G replaced by A.
Protein change: p.Arg865Gln; replaces arginine 865 with glutamine.
Molecular consequence: missense variant.
Genome position (GRCh38, 1-based): chr5:157,341,078, G>A. VCF-style: chr5-157341078-G-A. GRCh37 (hg19) VCF-style: chr5-156768086-G-A.
Other names: c.2516G>A, p.Arg839Gln (NM_001291721.2); c.2669G>A, p.Arg890Gln (NM_001291722.2); c.2594G>A, p.Arg865Gln (NM_014376.4); short protein forms R839Q, R890Q, R865Q.
Identifiers: ClinVar variation 1361828 (VCV001361828.8), dbSNP rs962853641, ClinGen allele CA130142744.
Genomic context (GRCh38, chr5:157,341,078, plus strand): 5'-AGAATAATATTAGGACCATATTAACTCTTTCCCATCCCTATGCTTCTACTAGTTTTGTGC[G>A]GACTGCCATTCCTTTCACCCAAGAACCACAACGAGACAAACCTGCCAACGTCCAGCCTTA-3'
Protein context (NP_001032410.1, residues 855-875): CYNGSTNRFV[Arg865Gln]TAIPFTQEPQ

ClinVar aggregate classification (germline): Uncertain significance (1 of 4 stars; one submission).

Allele frequency attached by ClinVar (database versions not stated): TOPMed below 0.00001.

Submission:

Labcorp Genetics (formerly Invitae), Labcorp
Classification: Uncertain significance. Last evaluated: 2025-02-10. Review status: criteria provided, single submitter. Criteria: Invitae Variant Classification Sherloc (09022015). Collection method: clinical testing. Allele origin: germline.
Comment: This sequence change replaces arginine, which is basic and polar, with glutamine, which is neutral and polar, at codon 865 of the CYFIP2 protein (p.Arg865Gln). This variant is not present in population databases (gnomAD no frequency). This variant has not been reported in the literature in individuals affected with CYFIP2-related conditions. ClinVar contains an entry for this variant (Variation ID: 1361828). Experimental studies and prediction algorithms are not available or were not evaluated, and the functional significance of this variant is currently unknown. In summary, the available evidence is currently insufficient to determine the role of this variant in disease. Therefore, it has been classified as a Variant of Uncertain Significance.